The following is an entry in ClinVar:

ClinVar aggregate classification (germline): Uncertain significance. Review status: criteria provided, multiple submitters, no conflicts (2 of 4 stars). 2 submissions from 2 submitters: Uncertain significance (2). Last evaluated 2021-08-30.

Conditions:
Charcot-Marie-Tooth disease. Also called: Charcot-Marie-Tooth Neuropathy; Charcot-Marie-Tooth Hereditary Neuropathy. Identifiers: Orphanet 166, MedGen C0007959, MONDO:0015626.
Charcot-Marie-Tooth disease type 2. Also called: Charcot-Marie-Tooth type 2. Identifiers: Orphanet 64746, MedGen C0270914, MONDO:0018993.

Allele frequency attached by ClinVar (database versions not stated): gnomAD below 0.00001 and 0.00002.
gnomAD v4.1: 55 of 1,612,670 alleles (0.0034%); highest among the groups gnomAD compares: South Asian, 0.054%; 1 homozygote.

Submissions (2):

Labcorp Genetics (formerly Invitae), Labcorp
Classification: Uncertain significance for Charcot-Marie-Tooth disease type 2. Last evaluated: 2021-08-30. Review status: criteria provided, single submitter. Criteria: Invitae Variant Classification Sherloc (09022015). Collection method: clinical testing. Allele origin: germline.
Comment: This sequence change replaces proline with leucine at codon 630 of the MED25 protein (p.Pro630Leu). The proline residue is moderately conserved and there is a moderate physicochemical difference between proline and leucine. This variant is present in population databases (rs775342932, ExAC 0.05%). This variant has not been reported in the literature in individuals affected with MED25-related conditions. Algorithms developed to predict the effect of missense changes on protein structure and function are either unavailable or do not agree on the potential impact of this missense change (SIFT: "Deleterious"; PolyPhen-2: "Benign"; Align-GVGD: "Class C0"). In summary, the available evidence is currently insufficient to determine the role of this variant in disease. Therefore, it has been classified as a Variant of Uncertain Significance.

Molecular Genetics Laboratory, London Health Sciences Centre
Classification: Uncertain significance for Charcot-Marie-Tooth disease. Review status: criteria provided, single submitter. Criteria: ACMG Guidelines, 2015. Collection method: clinical testing. Allele origin: germline. Affected: yes.

NM_030973.4(MED25):c.1889C>T (p.Pro630Leu)

Gene: MED25 (mediator complex subunit 25; plus strand). Cytogenetic location: 19q13.33.
Variant type: single nucleotide variant.
Coding change: c.1889C>T on transcript NM_030973.4 (MANE Select); coding-DNA position 1889, C replaced by T.
Protein change: p.Pro630Leu; replaces proline 630 with leucine.
Molecular consequence: missense variant.
Genome position (GRCh38, 1-based): chr19:49,835,869, C>T. VCF-style: chr19-49835869-C-T. GRCh37 (hg19) VCF-style: chr19-50339126-C-T.
Other names: c.1889C>T, p.Pro630Leu (NM_001378355.1); short protein forms P630L.
Identifiers: ClinVar variation 647071 (VCV000647071.7), dbSNP rs775342932, ClinGen allele CA9585407.